The following is an entry in ClinVar:

ClinVar aggregate classification (germline): Likely benign (1 of 4 stars; one submission).

Allele frequency attached by ClinVar (database versions not stated): gnomAD exomes 0.00001; ExAC 0.00008; ESP Exome Variant Server 0.00008; gnomAD 0.00014; TOPMed 0.00015.
gnomAD v4.1: 41 of 1,611,418 alleles (0.0025%); highest among the groups gnomAD compares: African/African-American, 0.031%; no homozygotes.

Submission:

CeGaT Center for Human Genetics Tuebingen
Classification: Likely benign. Last evaluated: 2022-11-01. Review status: criteria provided, single submitter. Criteria: CeGaT Center For Human Genetics Tuebingen Variant Classification Criteria Version 2. Collection method: clinical testing. Allele origin: germline. Affected: yes. Observed: 1 variant allele.
Comment: CCDC57: BP4, BP7

NM_001394669.1(CCDC57):c.903G>A (p.Ala301=)

Gene: CCDC57 (coiled-coil domain containing 57; minus strand). Cytogenetic location: 17q25.3.
Variant type: single nucleotide variant.
Coding change: c.903G>A on transcript NM_001394669.1 (MANE Select); coding-DNA position 903, G replaced by A.
Protein change: p.Ala301=; no amino-acid change (alanine 301 retained).
Molecular consequence: synonymous variant. On other transcripts: 5 prime UTR variant (1).
Genome position (GRCh38, 1-based): chr17:82,188,368, C>T on the plus strand (G>A on the coding strand, the complement: CCDC57 is on the minus strand). VCF-style: chr17-82188368-C-T. GRCh37 (hg19) VCF-style: chr17-80146244-C-T.
Other names: c.903G>A, p.Ala301= (NM_001316321.3, NM_001394670.1, NM_198082.4); c.-411G>A (NM_001367828.2).
Identifiers: ClinVar variation 2648489 (VCV002648489.24), dbSNP rs375288305, ClinGen allele CA8854442.
Genomic context (GRCh38, chr17:82,188,368, plus strand): 5'-CTGCAGCTCCAGAACCCTGGTCTGCAGCTCCTGCAGCTGCTCCACGTGGGCTCCCTTCAC[C>T]GCCACCAGCACTGCATCCTTCTCCCTGGCCAGACGGTCGAGCTCCTCATGCCTGAAACAC-3'
Protein context (NP_001381598.1, residues 291-311): LAREKDAVLV[Ala301=]VKGAHVEQLQ